The following is an entry in ClinVar:

NC_000016.9:g.(?_167280)_(169274_?)del

Gene: NPRL3 (NPR3 like, GATOR1 complex subunit; minus strand). Cytogenetic location: 16p13.3.
Variant type: Deletion.
Identifiers: ClinVar variation 3243553 (VCV003243553.1).

ClinVar aggregate classification (germline): Pathogenic (1 of 4 stars; one submission).

Conditions:
Epilepsy, familial focal, with variable foci 3 (FFEVF3). Identifiers: MedGen C4310708, MONDO:0014925, OMIM 617118.

Submission:

Labcorp Genetics (formerly Invitae), Labcorp
Classification: Pathogenic for Epilepsy, familial focal, with variable foci 3. Last evaluated: 2023-10-22. Review status: criteria provided, single submitter. Criteria: Invitae Variant Classification Sherloc (09022015). Collection method: clinical testing. Allele origin: unknown.
Comment: This variant is a gross deletion of the genomic region encompassing exon(s) 4-5 of the NPRL3 gene. This deletion is out-of-frame, and is expected to create a premature termination codon and result in an absent or disrupted protein product. Loss-of-function variants in NPRL3 are known to be pathogenic (PMID: 26285051, 26505888). This variant has not been reported in the literature in individuals affected with NPRL3-related conditions. For these reasons, this variant has been classified as Pathogenic.

Literature cited by the submitters: PubMed 26285051; PubMed 26505888.